The following is an entry in ClinVar:

ClinVar aggregate classification (germline): Benign. Review status: criteria provided, multiple submitters, no conflicts (2 of 4 stars). 2 submissions from 2 submitters: Benign (2). Last evaluated 2018-01-13.

Conditions:
Seizures, benign familial neonatal, 2. Also called: CONVULSIONS, BENIGN FAMILIAL NEONATAL, 2; KCNQ3-Related Self-Limited Familial Neonatal Epilepsy (SLFNE); Benign Neonatal Epilepsy 2; KCNQ3-Related Benign Familial Neonatal Epilepsy; Seizures, benign neonatal, 2. Identifiers: Orphanet 1949, MedGen C1852581, MONDO:0007366, OMIM 121201.

Allele frequency attached by ClinVar (database versions not stated): gnomAD 0.06913 and 0.06873; 1000 Genomes Project 0.07788; gnomAD exomes 0.25000; 1000 Genomes Project 30x 0.07792; TOPMed 0.08282.
gnomAD v4.1: 10,423 of 152,190 alleles (6.8%); highest among the groups gnomAD compares: Admixed American, 14%; 466 homozygotes.

Submissions (2):

Illumina Laboratory Services, Illumina
Classification: Benign for Seizures, benign familial neonatal, 2. Last evaluated: 2018-01-13. Review status: criteria provided, single submitter. Criteria: ICSL Variant Classification Criteria 13 December 2019. Collection method: clinical testing. Allele origin: germline.
Comment: This variant was observed in the ICSL laboratory as part of a predisposition screen in an ostensibly healthy population. It had not been previously curated by ICSL or reported in the Human Gene Mutation Database (HGMD: prior to June 1st, 2018), and was therefore a candidate for classification through an automated scoring system. Utilizing variant allele frequency, disease prevalence and penetrance estimates, and inheritance mode, an automated score was calculated to assess if this variant is too frequent to cause the disease. Based on the score and internal cut-off values, a variant classified as benign is not then subjected to further curation. The score for this variant resulted in a classification of benign for this disease.

Breakthrough Genomics
Classification: Benign. Review status: criteria provided, single submitter. Criteria: ACMG Guidelines, 2015. Collection method: not provided. Allele origin: germline. Inheritance: Autosomal dominant inheritance. Affected: yes.

NM_004519.4(KCNQ3):c.*4125T>C

Gene: KCNQ3 (potassium voltage-gated channel subfamily Q member 3; minus strand). Cytogenetic location: 8q24.22.
Variant type: single nucleotide variant.
Coding change: c.*4125T>C on transcript NM_004519.4 (MANE Select); 4125 bases downstream of the stop codon, T replaced by C.
Molecular consequence: 3 prime UTR variant.
Genome position (GRCh38, 1-based): chr8:132,125,137, A>G on the plus strand (T>C on the coding strand, the complement: KCNQ3 is on the minus strand). VCF-style: chr8-132125137-A-G. GRCh37 (hg19) VCF-style: chr8-133137384-A-G.
Other names: c.*4125T>C (NM_001204824.2).
Identifiers: ClinVar variation 361810 (VCV000361810.7), dbSNP rs2163608, ClinGen allele CA10630184.